The following is an entry in ClinVar:

NM_005245.4(FAT1):c.10551_10552del (p.Ala3518fs)

Genes: FAT1 (FAT atypical cadherin 1; minus strand), LOC126807254 (BRD4-independent group 4 enhancer GRCh37_chr4:187524269-187525468; plus strand). Cytogenetic location: 4q35.2.
Variant type: Deletion.
Coding change: c.10551_10552del on transcript NM_005245.4 (MANE Select); coding-DNA positions 10551 to 10552, 2 bases deleted (GG; older notation c.10551_10552delGG).
Protein change: p.Ala3518fs; shifts the reading frame from alanine 3518.
Molecular consequence: frameshift variant.
Genome position (GRCh38, 1-based): chr4:186,603,974-186,603,975, CC deleted on the plus strand (GG on the coding strand, the reverse complement: FAT1 is on the minus strand). VCF-style (leftmost placement, unchanged base first): chr4-186603973-GCC-G. GRCh37 (hg19) VCF-style: chr4-187525127-GCC-G.
Other names: short protein forms A3518fs.
Identifiers: ClinVar variation 3729124 (VCV003729124.2).
Genomic context (GRCh38, chr4:186,603,973, plus strand): 5'-TCCTCAATTACCCTAATGTCAATGTATGTCAAAGATGACAACTGAGGCTTTCCATTATCT[GCC>G]ACCTACAAGAAAAGAAAAATAAAATCACCTTTGTCTATGGCACTGTTTATAACTTCTTCA-3'

ClinVar aggregate classification (germline): Pathogenic (1 of 4 stars; one submission).

Submission:

Labcorp Genetics (formerly Invitae), Labcorp
Classification: Pathogenic. Last evaluated: 2025-01-17. Review status: criteria provided, single submitter. Criteria: Invitae Variant Classification Sherloc (09022015). Collection method: clinical testing. Allele origin: germline.
Comment: This sequence change creates a premature translational stop signal (p.Ala3518Argfs*2) in the FAT1 gene. It is expected to result in an absent or disrupted protein product. Loss-of-function variants in FAT1 are known to be pathogenic (PMID: 30862798). This variant is not present in population databases (gnomAD no frequency). This variant has not been reported in the literature in individuals affected with FAT1-related conditions. For these reasons, this variant has been classified as Pathogenic.

Literature cited by the submitters: PubMed 30862798.